The following is an entry in ClinVar:

ClinVar aggregate classification (germline): Uncertain significance (1 of 4 stars; one submission).

Conditions:
HTR2C-related disorder. Also called: HTR2C-related condition.

gnomAD v4.1: 60 of 1,201,863 alleles (0.005%); highest among the groups gnomAD compares: Non-Finnish European, 0.0064%; no homozygotes.

Submission:

PreventionGenetics, part of Exact Sciences
Classification: Uncertain significance for HTR2C-related condition. Last evaluated: 2026-08-24. Review status: criteria provided, single submitter. Criteria: ACMG Guidelines, 2015. Collection method: clinical testing. Allele origin: germline.
Comment: The HTR2C c.73A>G variant is predicted to result in the amino acid substitution p.Ile25Val. To our knowledge, this variant has not been reported in the literature. This variant is reported in 0.0068% of alleles in individuals of East Asian descent in gnomAD, including one hemizygous individual. At this time, the clinical significance of this variant is uncertain due to the absence of conclusive functional and genetic evidence.

NM_000868.4(HTR2C):c.73A>G (p.Ile25Val)

Gene: HTR2C (5-hydroxytryptamine receptor 2C; plus strand). Cytogenetic location: Xq23.
Variant type: single nucleotide variant.
Coding change: c.73A>G on transcript NM_000868.4 (MANE Select); coding-DNA position 73, A replaced by G.
Protein change: p.Ile25Val; replaces isoleucine 25 with valine.
Molecular consequence: missense variant.
Genome position (GRCh38, 1-based): chrX:114,731,331, A>G. VCF-style: chrX-114731331-A-G. GRCh37 (hg19) VCF-style: chrX-113965740-A-G.
Other names: c.73A>G, p.Ile25Val (NM_001256760.3, NM_001256761.3); short protein forms I25V.
Identifiers: ClinVar variation 4979785 (VCV004979785.1).